The following is an entry in ClinVar:

ClinVar aggregate classification (germline): Conflicting classifications of pathogenicity. Review status: criteria provided, conflicting classifications (1 of 4 stars). 3 submissions from 3 submitters: Uncertain significance (1); Likely benign (2). Last evaluated 2024-12-15.

Allele frequency attached by ClinVar (database versions not stated): gnomAD 0.00003 and 0.00004; gnomAD exomes 0.00004; TOPMed 0.00004; ExAC 0.00007; ESP Exome Variant Server 0.00008; 1000 Genomes Project 30x 0.00016; 1000 Genomes Project 0.00020.
gnomAD v4.1: 71 of 1,613,936 alleles (0.0044%); highest among the groups gnomAD compares: Middle Eastern, 0.033%; no homozygotes.

Submissions (3):

Labcorp Genetics (formerly Invitae), Labcorp
Classification: Uncertain significance. Last evaluated: 2024-12-15. Review status: criteria provided, single submitter. Criteria: Invitae Variant Classification Sherloc (09022015). Collection method: clinical testing. Allele origin: germline.
Comment: This sequence change replaces glycine, which is neutral and non-polar, with serine, which is neutral and polar, at codon 103 of the POLG2 protein (p.Gly103Ser). This variant is present in population databases (rs200118378, gnomAD 0.009%). This variant has not been reported in the literature in individuals affected with POLG2-related conditions. ClinVar contains an entry for this variant (Variation ID: 215032). An algorithm developed to predict the effect of missense changes on protein structure and function (PolyPhen-2) suggests that this variant is likely to be disruptive. Experimental studies have shown that this missense change does not substantially affect POLG2 function (PMID: 21555342). In summary, the available evidence is currently insufficient to determine the role of this variant in disease. Therefore, it has been classified as a Variant of Uncertain Significance.

CeGaT Center for Human Genetics Tuebingen
Classification: Likely benign. Last evaluated: 2023-07-01. Review status: criteria provided, single submitter. Criteria: CeGaT Center For Human Genetics Tuebingen Variant Classification Criteria Version 2. Collection method: clinical testing. Allele origin: germline. Affected: yes. Observed: 1 variant allele.
Comment: POLG2: BS3:Supporting

GeneDx
Classification: Likely benign. Last evaluated: 2015-08-17. Review status: criteria provided, single submitter. Criteria: GeneDx Variant Classification (06012015). Collection method: clinical testing. Allele origin: germline. Affected: yes.
Comment: This variant is considered likely benign or benign based on one or more of the following criteria: it is a conservative change, it occurs at a poorly conserved position in the protein, it is predicted to be benign by multiple in silico algorithms, and/or has population frequency not consistent with disease.

Literature cited by the submitters: PubMed 21555342 (cited by Labcorp Genetics (formerly Invitae), Labcorp).

NM_007215.4(POLG2):c.307G>A (p.Gly103Ser)

Genes: MILR1 (mast cell immunoglobulin like receptor 1; plus strand), POLG2 (DNA polymerase gamma 2, accessory subunit; minus strand). Cytogenetic location: 17q23.3.
Variant type: single nucleotide variant.
Coding change: c.307G>A on transcript NM_007215.4 (MANE Select); coding-DNA position 307, G replaced by A.
Protein change: p.Gly103Ser; replaces glycine 103 with serine.
Molecular consequence: missense variant.
Genome position (GRCh38, 1-based): chr17:64,496,662, C>T on the plus strand (G>A on the coding strand, the complement: POLG2 is on the minus strand). VCF-style: chr17-64496662-C-T. GRCh37 (hg19) VCF-style: chr17-62492780-C-T.
Other names: p.G103S:GGC>AGC; short protein forms G103S.
Identifiers: ClinVar variation 215032 (VCV000215032.29), dbSNP rs200118378, ClinGen allele CA324455.